The following is an entry in ClinVar:

NM_002691.4(POLD1):c.296T>G (p.Leu99Trp)

Gene: POLD1 (DNA polymerase delta 1, catalytic subunit; plus strand). Cytogenetic location: 19q13.33.
Variant type: single nucleotide variant.
Coding change: c.296T>G on transcript NM_002691.4 (MANE Select); coding-DNA position 296, T replaced by G.
Protein change: p.Leu99Trp; replaces leucine 99 with tryptophan.
Molecular consequence: missense variant. On other transcripts: non-coding transcript variant (1).
Genome position (GRCh38, 1-based): chr19:50,399,464, T>G. VCF-style: chr19-50399464-T-G. GRCh37 (hg19) VCF-style: chr19-50902721-T-G.
Other names: c.296T>G, p.Leu99Trp (NM_001256849.1, NM_001308632.1); short protein forms L99W.
Identifiers: ClinVar variation 1798279 (VCV001798279.2), dbSNP rs2513937660, ClinGen allele CA406970628.
Genomic context (GRCh38, chr19:50,399,464, plus strand): 5'-GGCTTCGGCCCACACCACCAGCGCTGGACCCCCAGACAGAGCCCCTCATCTTCCAACAGT[T>G]GGAGATTGACCATTATGTGGGTGAGTTTAGGGGTTATGGGTGAGTGCTGGGGCCCTGCGC-3'
Protein context (NP_002682.2, residues 89-109): PQTEPLIFQQ[Leu99Trp]EIDHYVGPAQ

ClinVar aggregate classification (germline): Uncertain significance (1 of 4 stars; one submission).

Conditions:
Hereditary cancer-predisposing syndrome. Also called: Neoplastic Syndromes, Hereditary; Tumor predisposition; Hereditary Cancer Syndrome; Hereditary neoplastic syndrome. Identifiers: Orphanet 140162, MedGen C0027672, MeSH D009386, MONDO:0015356.

Submission:

Ambry Genetics
Classification: Uncertain significance for Hereditary cancer-predisposing syndrome. Last evaluated: 2021-12-11. Review status: criteria provided, single submitter. Criteria: Ambry Variant Classification Scheme 2023. Collection method: clinical testing. Allele origin: germline.
Comment: The p.L99W variant (also known as c.296T>G), located in coding exon 2 of the POLD1 gene, results from a T to G substitution at nucleotide position 296. The leucine at codon 99 is replaced by tryptophan, an amino acid with similar properties. This amino acid position is conserved. In addition, this alteration is predicted to be tolerated by in silico analysis. Since supporting evidence is limited at this time, the clinical significance of this alteration remains unclear.